The following is an entry in ClinVar:

NM_002788.4(PSMA3):c.338C>G (p.Ala113Gly)

Gene: PSMA3 (proteasome 20S subunit alpha 3; plus strand). Cytogenetic location: 14q23.1.
Variant type: single nucleotide variant.
Coding change: c.338C>G on transcript NM_002788.4 (MANE Select); coding-DNA position 338, C replaced by G.
Protein change: p.Ala113Gly; replaces alanine 113 with glycine.
Molecular consequence: missense variant. On other transcripts: non-coding transcript variant (1).
Genome position (GRCh38, 1-based): chr14:58,257,932, C>G. VCF-style: chr14-58257932-C-G. GRCh37 (hg19) VCF-style: chr14-58724650-C-G.
Other names: c.338C>G, p.Ala113Gly (NM_152132.3); short protein forms A113G.
Identifiers: ClinVar variation 3662439 (VCV003662439.2).

ClinVar aggregate classification (germline): Uncertain significance (1 of 4 stars; one submission).

Submission:

Labcorp Genetics (formerly Invitae), Labcorp
Classification: Uncertain significance. Last evaluated: 2025-01-05. Review status: criteria provided, single submitter. Criteria: Invitae Variant Classification Sherloc (09022015). Collection method: clinical testing. Allele origin: germline.
Comment: This sequence change replaces alanine, which is neutral and non-polar, with glycine, which is neutral and non-polar, at codon 113 of the PSMA3 protein (p.Ala113Gly). This variant is not present in population databases (gnomAD no frequency). This variant has not been reported in the literature in individuals affected with PSMA3-related conditions. An algorithm developed to predict the effect of missense changes on protein structure and function (PolyPhen-2) suggests that this variant is likely to be tolerated. In summary, the available evidence is currently insufficient to determine the role of this variant in disease. Therefore, it has been classified as a Variant of Uncertain Significance.